The following is an entry in ClinVar:

ClinVar aggregate classification (germline): Pathogenic/Likely pathogenic. Review status: criteria provided, multiple submitters, no conflicts (2 of 4 stars). 4 submissions from 4 submitters: Pathogenic (1); Likely pathogenic (3). Last evaluated 2026-06-14.

Conditions:
Mitochondrial complex I deficiency. Also called: NADH:Q(1) OXIDOREDUCTASE DEFICIENCY. Identifiers: Orphanet 2609, MedGen C1838979, MeSH C537475, MONDO:0100133.
NDUFAF5-related disorder. Also called: NDUFAF5-related condition.
Mitochondrial complex I deficiency, nuclear type 16. Also called: Mitochondrial complex 1 deficiency, nuclear type 16. Identifiers: MedGen C4748785, MONDO:0032621, OMIM 618238.

Allele frequency attached by ClinVar (database versions not stated): TOPMed 0.00002.

Submissions (4):

PreventionGenetics, part of Exact Sciences
Classification: Likely pathogenic for NDUFAF5-related condition. Last evaluated: 2026-06-14. Review status: criteria provided, single submitter. Criteria: ACMG Guidelines, 2015. Collection method: clinical testing. Allele origin: germline.
Comment: The NDUFAF5 c.1A>C variant is predicted to disrupt the translation initiation site (Start Loss). To our knowledge, this variant has not been reported in the literature. This variant is reported in 0.012% of alleles in individuals of Latino descent in gnomAD and is interpreted as pathogenic and likely pathogenic in ClinVar (Variation ID: 2703746). Another variant impacting the start codon, c.2T>C, along with a deep intronic variant, has been reported in an individual with clinical features consistent with early-onset complex I deficiency (Yépez et al. 2022. PubMed ID: 35379322). RNA-seq analysis showed that the c.2T>C variant alters the NDUFAF5 RNA (Table S2, Yépez et al. 2022. PubMed ID: 35379322). This variant is interpreted as likely pathogenic.

Natera, Inc.
Classification: Likely pathogenic for Mitochondrial complex I deficiency. Last evaluated: 2025-12-17. Review status: criteria provided, single submitter. Criteria: Natera Variant Classification Schema (03/2026). Collection method: clinical testing. Allele origin: germline.
Comment: The c.1A>C variant in NDUFAF5 is predicted to result in start loss due to disruption of the initiator methionine. This variant is expected to result in nonsense mediated decay, truncation, or a dysfunctional protein product. This variant is rare in the general population with a frequency below the threshold expected for the associated phenotype(s). Given the available evidence, this variant is classified as Likely Pathogenic.

Labcorp Genetics (formerly Invitae), Labcorp
Classification: Pathogenic. Last evaluated: 2025-02-10. Review status: criteria provided, single submitter. Criteria: Invitae Variant Classification Sherloc (09022015). Collection method: clinical testing. Allele origin: germline.
Comment: This sequence change affects the initiator methionine of the NDUFAF5 mRNA. The next in-frame methionine is located at codon 188. This variant is present in population databases (no rsID available, gnomAD 0.01%). Disruption of the initiator codon has been observed in individual(s) with mitochondrial complex I deficiency (PMID: 35379322). ClinVar contains an entry for this variant (Variation ID: 2703746). This variant disrupts a region of the NDUFAF5 protein in which other variant(s) (p.Lys109Asn) have been determined to be pathogenic (PMID: 30473481). This suggests that this is a clinically significant region of the protein, and that variants that disrupt it are likely to be disease-causing. For these reasons, this variant has been classified as Pathogenic.

Fulgent Genetics
Classification: Likely pathogenic for Mitochondrial complex I deficiency, nuclear type 16. Last evaluated: 2024-02-28. Review status: criteria provided, single submitter. Criteria: ACMG Guidelines, 2015. Collection method: clinical testing. Allele origin: germline.

Literature cited by the submitters: PubMed 35379322 (cited by Labcorp Genetics (formerly Invitae), Labcorp); PubMed 30473481 (cited by Labcorp Genetics (formerly Invitae), Labcorp).

NM_024120.5(NDUFAF5):c.1A>C (p.Met1Leu)

Genes: NDUFAF5 (NADH:ubiquinone oxidoreductase complex assembly factor 5; plus strand), LOC130065433 (ATAC-STARR-seq lymphoblastoid active region 17552; plus strand). Cytogenetic location: 20p12.1.
Variant type: single nucleotide variant.
Coding change: c.1A>C on transcript NM_024120.5 (MANE Select); coding-DNA position 1, A replaced by C.
Protein change: p.Met1Leu; changes the start codon (methionine 1).
Molecular consequence: missense variant, initiator codon variant. On other transcripts: 5 prime UTR variant (3), non-coding transcript variant (7).
Genome position (GRCh38, 1-based): chr20:13,785,069, A>C. VCF-style: chr20-13785069-A-C. GRCh37 (hg19) VCF-style: chr20-13765715-A-C.
Other names: c.1A>C, p.Met1Leu (NM_001039375.3, NM_001352408.2); c.-367A>C (NM_001352403.2); c.-581A>C (NM_001352406.2); c.-695A>C (NM_001352407.2); c.1A>C (NM_024120.4); short protein forms M1L.
Identifiers: ClinVar variation 2703746 (VCV002703746.6), dbSNP rs758736270, ClinGen allele CA311428318.